The following is an entry in ClinVar:

NM_003742.4(ABCB11):c.625dup (p.Ile209fs)

Gene: ABCB11 (ATP binding cassette subfamily B member 11; minus strand). Cytogenetic location: 2q31.1.
Variant type: Duplication.
Coding change: c.625dup on transcript NM_003742.4 (MANE Select); coding-DNA position 625, one base duplicated (A; older notation c.625dupA).
Protein change: p.Ile209fs; shifts the reading frame from isoleucine 209.
Molecular consequence: frameshift variant.
Genome position (GRCh38, 1-based): chr2:168,993,869, T duplicated on the plus strand (A on the coding strand, the reverse complement: ABCB11 is on the minus strand); the first of 4 consecutive T bases (chr2:168,993,869-168,993,872); duplicating any one gives the same sequence. VCF-style (leftmost placement, unchanged base first): chr2-168993868-A-AT. GRCh37 (hg19) VCF-style: chr2-169850378-A-AT.
Other names: short protein forms I209fs.
Identifiers: ClinVar variation 1453915 (VCV001453915.6), dbSNP rs2106010917, ClinGen allele CA2573133576.

ClinVar aggregate classification (germline): Pathogenic (1 of 4 stars; one submission).

Submission:

Labcorp Genetics (formerly Invitae), Labcorp
Classification: Pathogenic. Last evaluated: 2021-11-20. Review status: criteria provided, single submitter. Criteria: Invitae Variant Classification Sherloc (09022015). Collection method: clinical testing. Allele origin: germline.
Comment: For these reasons, this variant has been classified as Pathogenic. This variant has not been reported in the literature in individuals affected with ABCB11-related conditions. This variant is not present in population databases (gnomAD no frequency). This sequence change creates a premature translational stop signal (p.Ile209Asnfs*3) in the ABCB11 gene. It is expected to result in an absent or disrupted protein product. Loss-of-function variants in ABCB11 are known to be pathogenic (PMID: 18395098, 20232290).

Literature cited by the submitters: PubMed 18395098; PubMed 20232290.